The following is an entry in ClinVar:

ClinVar aggregate classification (germline): Pathogenic (1 of 4 stars; one submission).

Conditions:
PRPH2-related disorder. Also called: PRPH2-related condition; PRPH2-related disorders. Identifiers: MedGen CN239395.

Submission:

Labcorp Genetics (formerly Invitae), Labcorp
Classification: Pathogenic for PRPH2-related disorder. Last evaluated: 2023-11-16. Review status: criteria provided, single submitter. Criteria: Invitae Variant Classification Sherloc (09022015). Collection method: clinical testing. Allele origin: germline.
Comment: This variant is a gross deletion of the genomic region encompassing exon(s) 2 of the PRPH2 gene. While this deletion is not anticipated to lead to nonsense mediated decay, it is expected to disrupt the C-terminus of the protein. This variant has not been reported in the literature in individuals affected with PRPH2-related conditions. This variant disrupts a region of the PRPH2 protein in which other variant(s) (p.Leu307Argfs*17) have been determined to be pathogenic (PMID: 8019570, 22183351, 24265693). This suggests that this is a clinically significant region of the protein, and that variants that disrupt it are likely to be disease-causing. For these reasons, this variant has been classified as Pathogenic.

Literature cited by the submitters: PubMed 8019570; PubMed 22183351; PubMed 24265693.

NC_000006.11:g.(?_42672083)_(42672369_?)del

Gene: PRPH2 (peripherin 2; minus strand). Cytogenetic location: 6p21.1.
Variant type: Deletion.
Identifiers: ClinVar variation 1454878 (VCV001454878.5).